The following is an entry in ClinVar:

ClinVar aggregate classification (germline): Uncertain significance (1 of 4 stars; one submission).

Conditions:
Cardiovascular phenotype. Identifiers: MedGen CN230736.

gnomAD v4.1: 1 of 1,613,456 alleles (0.000062%); highest among the groups gnomAD compares: South Asian, 0.0011%; no homozygotes.

Submission:

Ambry Genetics
Classification: Uncertain significance for Cardiovascular phenotype. Last evaluated: 2025-10-23. Review status: criteria provided, single submitter. Criteria: Ambry Variant Classification Scheme 2023. Collection method: clinical testing. Allele origin: germline.
Comment: The p.D437Y variant (also known as c.1309G>T), located in coding exon 10 of the JAG1 gene, results from a G to T substitution at nucleotide position 1309. The aspartic acid at codon 437 is replaced by tyrosine, an amino acid with highly dissimilar properties. This amino acid position is conserved. In addition, the in silico prediction for this alteration is inconclusive. Based on the available evidence, the clinical significance of this variant remains unclear.

NM_000214.3(JAG1):c.1309G>T (p.Asp437Tyr)

Gene: JAG1 (jagged canonical Notch ligand 1; minus strand). Cytogenetic location: 20p12.2.
Variant type: single nucleotide variant.
Coding change: c.1309G>T on transcript NM_000214.3 (MANE Select); coding-DNA position 1309, G replaced by T.
Protein change: p.Asp437Tyr; replaces aspartic acid 437 with tyrosine.
Molecular consequence: missense variant.
Genome position (GRCh38, 1-based): chr20:10,649,561, C>A on the plus strand (G>T on the coding strand, the complement: JAG1 is on the minus strand). VCF-style: chr20-10649561-C-A. GRCh37 (hg19) VCF-style: chr20-10630209-C-A.
Other names: short protein forms D437Y.
Identifiers: ClinVar variation 4614278 (VCV004614278.1).